The following is an entry in ClinVar:

ClinVar aggregate classification (germline): Uncertain significance. Review status: criteria provided, multiple submitters, no conflicts (2 of 4 stars). 2 submissions from 2 submitters: Uncertain significance (2). Last evaluated 2025-12-19.

Conditions:
Hypertrophic cardiomyopathy. Also called: HYPERTROPHIC MYOCARDIOPATHY. Identifiers: Orphanet 217569, MedGen C0007194, MeSH D002312, MONDO:0005045, HP:0001639.

Allele frequency attached by ClinVar (database versions not stated): gnomAD exomes 0.00001 and 0.00003; ExAC 0.00004; ESP Exome Variant Server 0.00008; gnomAD 0.00016 and 0.00019; TOPMed 0.00019.
gnomAD v4.1: 43 of 1,610,990 alleles (0.0027%); highest among the groups gnomAD compares: African/African-American, 0.055%; no homozygotes.

Submissions (2):

Labcorp Genetics (formerly Invitae), Labcorp
Classification: Uncertain significance for Hypertrophic cardiomyopathy. Last evaluated: 2025-12-19. Review status: criteria provided, single submitter. Criteria: Invitae Variant Classification Sherloc (09022015). Collection method: clinical testing. Allele origin: germline.
Comment: This sequence change replaces glutamic acid, which is acidic and polar, with lysine, which is basic and polar, at codon 1033 of the MYOM1 protein (p.Glu1033Lys). This variant is present in population databases (rs377512048, gnomAD 0.06%), and has an allele count higher than expected for a pathogenic variant. This variant has not been reported in the literature in individuals affected with MYOM1-related conditions. ClinVar contains an entry for this variant (Variation ID: 454444). Invitae Evidence Modeling of protein sequence and biophysical properties (such as structural, functional, and spatial information, amino acid conservation, physicochemical variation, residue mobility, and thermodynamic stability) has been performed for this missense variant. However, the output from this modeling did not meet the statistical confidence thresholds required to predict the impact of this variant on MYOM1 protein function. In summary, the available evidence is currently insufficient to determine the role of this variant in disease. Therefore, it has been classified as a Variant of Uncertain Significance.

Ambry Genetics
Classification: Uncertain significance. Last evaluated: 2024-12-07. Review status: criteria provided, single submitter. Criteria: Ambry Variant Classification Scheme 2023. Collection method: clinical testing. Allele origin: germline.

NM_003803.4(MYOM1):c.3097G>A (p.Glu1033Lys)

Gene: MYOM1 (myomesin 1; minus strand). Cytogenetic location: 18p11.31.
Variant type: single nucleotide variant.
Coding change: c.3097G>A on transcript NM_003803.4 (MANE Select); coding-DNA position 3097, G replaced by A.
Protein change: p.Glu1033Lys; replaces glutamic acid 1033 with lysine.
Molecular consequence: missense variant.
Genome position (GRCh38, 1-based): chr18:3,119,890, C>T on the plus strand (G>A on the coding strand, the complement: MYOM1 is on the minus strand). VCF-style: chr18-3119890-C-T. GRCh37 (hg19) VCF-style: chr18-3119888-C-T.
Other names: c.2809G>A, p.Glu937Lys (NM_019856.2); short protein forms E1033K, E937K.
Identifiers: ClinVar variation 454444 (VCV000454444.8), dbSNP rs377512048, ClinGen allele CA8874428.